The following is an entry in ClinVar:

NM_000037.4(ANK1):c.3858+1G>A

Gene: ANK1 (ankyrin 1; minus strand). Cytogenetic location: 8p11.21.
Variant type: single nucleotide variant.
Coding change: c.3858+1G>A on transcript NM_000037.4 (MANE Select); the canonical splice donor site of the intron after coding-DNA position 3858, G replaced by A.
Molecular consequence: splice donor variant.
Genome position (GRCh38, 1-based): chr8:41,692,647, C>T on the plus strand (G>A on the coding strand, the complement: ANK1 is on the minus strand). VCF-style: chr8-41692647-C-T. GRCh37 (hg19) VCF-style: chr8-41550165-C-T.
Other names: c.3981+1G>A (NM_001142446.2); c.3858+1G>A (NM_020477.3, NM_020475.3, NM_020476.3).
Identifiers: ClinVar variation 2820201 (VCV002820201.4), dbSNP rs2486759656, ClinGen allele CA371058540.

ClinVar aggregate classification (germline): Likely pathogenic. Review status: criteria provided, multiple submitters, no conflicts (2 of 4 stars). 2 submissions from 2 submitters: Likely pathogenic (2). Last evaluated 2024-04-29.

Conditions:
Hereditary spherocytosis type 1. Also called: Spherocytosis type 1; ANK1-Related Spherocytosis. Identifiers: Orphanet 822, MedGen C2674218, MONDO:0008447, OMIM 182900.

Submissions (2):

Revvity Omics, Revvity
Classification: Likely pathogenic for Hereditary spherocytosis type 1. Last evaluated: 2024-04-29. Review status: criteria provided, single submitter. Criteria: ACMG Guidelines, 2015. Collection method: clinical testing. Allele origin: germline.

Labcorp Genetics (formerly Invitae), Labcorp
Classification: Likely pathogenic. Last evaluated: 2023-01-11. Review status: criteria provided, single submitter. Criteria: Invitae Variant Classification Sherloc (09022015). Collection method: clinical testing. Allele origin: germline.
Comment: This sequence change affects a donor splice site in intron 31 of the ANK1 gene. It is expected to disrupt RNA splicing. Variants that disrupt the donor or acceptor splice site typically lead to a loss of protein function (PMID: 16199547), and loss-of-function variants in ANK1 are known to be pathogenic (PMID: 8640229). This variant is not present in population databases (gnomAD no frequency). This variant has not been reported in the literature in individuals affected with ANK1-related conditions. Algorithms developed to predict the effect of sequence changes on RNA splicing suggest that this variant may disrupt the consensus splice site. In summary, the currently available evidence indicates that the variant is pathogenic, but additional data are needed to prove that conclusively. Therefore, this variant has been classified as Likely Pathogenic.

Literature cited by the submitters: PubMed 16199547 (cited by Labcorp Genetics (formerly Invitae), Labcorp); PubMed 8640229 (cited by Labcorp Genetics (formerly Invitae), Labcorp).